The following is an entry in ClinVar:

NM_000170.3(GLDC):c.2838+2T>C

Gene: GLDC (glycine decarboxylase; minus strand). Cytogenetic location: 9p24.1.
Variant type: single nucleotide variant.
Coding change: c.2838+2T>C on transcript NM_000170.3 (MANE Select); the canonical splice donor site of the intron after coding-DNA position 2838, T replaced by C.
Molecular consequence: splice donor variant.
Genome position (GRCh38, 1-based): chr9:6,536,062, A>G on the plus strand (T>C on the coding strand, the complement: GLDC is on the minus strand). VCF-style: chr9-6536062-A-G. GRCh37 (hg19) VCF-style: chr9-6536062-A-G.
Identifiers: ClinVar variation 558570 (VCV000558570.12), dbSNP rs1554641887, ClinGen allele CA372882477.
Genomic context (GRCh38, chr9:6,536,062, plus strand): 5'-CTGTCCAGACATCATTTTCTAGTTTAAGGAACATTTCAAGCAATGTTCCAGGGCCTACGC[A>G]CCTTCAGCGGATTGACCCTGGGGTCGATGCGGCCCTCCTCAATGTCAGCAATTTCCTGCC-3'

ClinVar aggregate classification (germline): Pathogenic. Review status: criteria provided, multiple submitters, no conflicts (2 of 4 stars). 3 submissions from 3 submitters: Pathogenic (2). 1 of the submissions does not count toward it. Last evaluated 2022-04-14.

Conditions:
Glycine encephalopathy 1 (GCE1). Identifiers: MedGen CN376801, MONDO:0958179, OMIM 605899.
Glycine encephalopathy. Also called: Non-ketotic hyperglycinemia; Nonketotic hyperglycinemia. Identifiers: Orphanet 407, MedGen C0751748, MONDO:0011612, HP:0008288.

Allele frequency attached by ClinVar (database versions not stated): gnomAD exomes below 0.00001.
gnomAD v4.1: 4 of 1,612,026 alleles (0.00025%); highest among the groups gnomAD compares: Non-Finnish European, 0.00034%; no homozygotes.

Submissions (3):

Labcorp Genetics (formerly Invitae), Labcorp
Classification: Pathogenic for Glycine encephalopathy. Last evaluated: 2022-04-14. Review status: criteria provided, single submitter. Criteria: Invitae Variant Classification Sherloc (09022015). Collection method: clinical testing. Allele origin: germline.
Comment: This sequence change affects a donor splice site in intron 23 of the GLDC gene. It is expected to disrupt RNA splicing. Variants that disrupt the donor or acceptor splice site typically lead to a loss of protein function (PMID: 16199547), and loss-of-function variants in GLDC are known to be pathogenic (PMID: 16601880). This variant is not present in population databases (gnomAD no frequency). Disruption of this splice site has been observed in individual(s) with glycine encephalopathy (PMID: 27362913). ClinVar contains an entry for this variant (Variation ID: 558570). Algorithms developed to predict the effect of sequence changes on RNA splicing suggest that this variant may disrupt the consensus splice site. For these reasons, this variant has been classified as Pathogenic.

Fulgent Genetics
Classification: Pathogenic for Glycine encephalopathy 1. Last evaluated: 2018-10-31. Review status: criteria provided, single submitter. Criteria: ACMG Guidelines, 2015. Collection method: clinical testing. Allele origin: unknown.

Counsyl
Classification: Likely pathogenic for Glycine encephalopathy 1. Last evaluated: 2018-05-29. Review status: no assertion criteria provided. Collection method: clinical testing. Allele origin: unknown. Not counted in ClinVar's aggregate classification.

Literature cited by the submitters: PubMed 16199547 (cited by Labcorp Genetics (formerly Invitae), Labcorp); PubMed 16601880 (cited by Labcorp Genetics (formerly Invitae), Labcorp); PubMed 27362913 (cited by Labcorp Genetics (formerly Invitae), Labcorp and Counsyl).